The following is an entry in ClinVar:

NM_000316.3(PTH1R):c.1665G>C (p.Met555Ile)

Gene: PTH1R (parathyroid hormone 1 receptor; plus strand). Cytogenetic location: 3p21.31.
Variant type: single nucleotide variant.
Coding change: c.1665G>C on transcript NM_000316.3 (MANE Select); coding-DNA position 1665, G replaced by C.
Protein change: p.Met555Ile; replaces methionine 555 with isoleucine.
Molecular consequence: missense variant.
Genome position (GRCh38, 1-based): chr3:46,903,539, G>C. VCF-style: chr3-46903539-G-C. GRCh37 (hg19) VCF-style: chr3-46945029-G-C.
Other names: c.1665G>C, p.Met555Ile (NM_001184744.1); short protein forms M555I.
Identifiers: ClinVar variation 2888828 (VCV002888828.4), dbSNP rs1477030850, ClinGen allele CA352504039.

ClinVar aggregate classification (germline): Uncertain significance. Review status: criteria provided, multiple submitters, no conflicts (2 of 4 stars). 2 submissions from 2 submitters: Uncertain significance (2). Last evaluated 2025-01-16.

Conditions:
Primary failure of tooth eruption. Also called: DENTAL NONERUPTION; PRIMARY RETENTION OF TEETH; UNERUPTED SECOND PRIMARY MOLAR; POSTERIOR OPENBITE MALOCCLUSION, FAMILIAL. Identifiers: Orphanet 412206, MedGen C1852222, MONDO:0007434, OMIM 125350.
Chondrodysplasia Blomstrand type (BOCD). Identifiers: Orphanet 50945, MedGen C1859148, MONDO:0008970, OMIM 215045.
Eiken syndrome (EKNS). Also called: BONE MODELING DEFECT OF HANDS AND FEET. Identifiers: Orphanet 79106, MedGen C1838779, MONDO:0010803, OMIM 600002.
Metaphyseal chondrodysplasia, Jansen type. Also called: Metaphyseal chondrodysplasia Murk Jansen type; PTH1R-Related Jansen Metaphyseal Chondrodysplasia. Identifiers: Orphanet 33067, MedGen C0265295, MONDO:0007982, OMIM 156400.

Allele frequency attached by ClinVar (database versions not stated): gnomAD 0.00001; gnomAD exomes 0.00002; TOPMed 0.00002.
gnomAD v4.1: 26 of 1,613,920 alleles (0.0016%); highest among the groups gnomAD compares: Non-Finnish European, 0.0021%; no homozygotes.

Submissions (2):

Labcorp Genetics (formerly Invitae), Labcorp
Classification: Uncertain significance. Last evaluated: 2025-01-16. Review status: criteria provided, single submitter. Criteria: Invitae Variant Classification Sherloc (09022015). Collection method: clinical testing. Allele origin: germline.
Comment: This sequence change replaces methionine, which is neutral and non-polar, with isoleucine, which is neutral and non-polar, at codon 555 of the PTH1R protein (p.Met555Ile). This variant is present in population databases (no rsID available, gnomAD 0.003%). This variant has not been reported in the literature in individuals affected with PTH1R-related conditions. ClinVar contains an entry for this variant (Variation ID: 2888828). An algorithm developed to predict the effect of missense changes on protein structure and function (PolyPhen-2) suggests that this variant is likely to be tolerated. In summary, the available evidence is currently insufficient to determine the role of this variant in disease. Therefore, it has been classified as a Variant of Uncertain Significance.

Fulgent Genetics
Classification: Uncertain significance for Primary failure of tooth eruption; Metaphyseal chondrodysplasia, Jansen type; Chondrodysplasia Blomstrand type; Eiken syndrome. Last evaluated: 2024-02-20. Review status: criteria provided, single submitter. Criteria: ACMG Guidelines, 2015. Collection method: clinical testing. Allele origin: germline.